The following is an entry in ClinVar:

ClinVar aggregate classification (germline): Benign. Review status: criteria provided, multiple submitters, no conflicts (2 of 4 stars). 5 submissions from 5 submitters: Benign (4). 1 of the submissions does not count toward it. Last evaluated 2026-02-01.

Conditions:
SPINK5-related disorder. Also called: SPINK5-related condition.
Ichthyosis linearis circumflexa. Identifiers: MedGen C0265962, MONDO:0043106, HP:0025810.
Netherton syndrome (NETH). Also called: NETHERTON DISEASE; ERYTHRODERMA, ICHTHYOSIFORM, WITH HYPOTRICHOSIS AND HYPER-IgE; COMEL-NETHERTON SYNDROME. Identifiers: Orphanet 634, MedGen C5574950, MONDO:0009735, OMIM 256500.

Allele frequency attached by ClinVar (database versions not stated): gnomAD exomes 0.00100 and 0.00263; ExAC 0.00319; ESP Exome Variant Server 0.00910; gnomAD 0.01047 and 0.01140; 1000 Genomes Project 0.01058; 1000 Genomes Project 30x 0.01109; TOPMed 0.01172.
gnomAD v4.1: 3,154 of 1,614,214 alleles (0.2%); highest among the groups gnomAD compares: African/African-American, 3.6%; 59 homozygotes.

Submissions (5):

Labcorp Genetics (formerly Invitae), Labcorp
Classification: Benign for Ichthyosis linearis circumflexa. Last evaluated: 2026-02-01. Review status: criteria provided, single submitter. Criteria: Invitae Variant Classification Sherloc (09022015). Collection method: clinical testing. Allele origin: germline.

Women's Health and Genetics/Laboratory Corporation of America, LabCorp
Classification: Benign. Last evaluated: 2026-01-29. Review status: criteria provided, single submitter. Criteria: LabCorp Variant Classification Summary - May 2015. Collection method: clinical testing. Allele origin: germline.
Comment: Variant summary: SPINK5 c.2954T>C (p.Val985Ala) results in a non-conservative amino acid change in the encoded protein sequence. Algorithms developed to predict the effect of missense changes on protein structure and function are either unavailable or do not agree on the potential impact of this missense change. The variant allele was found at a frequency of 0.0026 in 249218 control chromosomes, predominantly at a frequency of 0.037 within the African or African-American subpopulation in the gnomAD database, including 11 homozygotes. The observed variant frequency within African or African-American control individuals in the gnomAD database exceeds the estimated maximal expected allele frequency for disease-causing variants in SPINK5. To our knowledge, no occurrence of c.2954T>C in individuals affected with SPINK5-related conditions and no experimental evidence demonstrating its impact on protein function have been reported. ClinVar contains an entry for this variant (Variation ID: 351538). Based on the evidence outlined above, the variant was classified as benign.

Illumina Laboratory Services, Illumina
Classification: Benign for Netherton syndrome. Last evaluated: 2018-01-12. Review status: criteria provided, single submitter. Criteria: ICSL Variant Classification Criteria 13 December 2019. Collection method: clinical testing. Allele origin: germline.
Comment: This variant was observed in the ICSL laboratory as part of a predisposition screen in an ostensibly healthy population. It had not been previously curated by ICSL or reported in the Human Gene Mutation Database (HGMD: prior to June 1st, 2018), and was therefore a candidate for classification through an automated scoring system. Utilizing variant allele frequency, disease prevalence and penetrance estimates, and inheritance mode, an automated score was calculated to assess if this variant is too frequent to cause the disease. Based on the score and internal cut-off values, a variant classified as benign is not then subjected to further curation. The score for this variant resulted in a classification of benign for this disease.

GeneDx
Classification: Benign. Last evaluated: 2015-03-03. Review status: criteria provided, single submitter. Criteria: GeneDx Variant Classification Process June 2021. Collection method: clinical testing. Allele origin: germline. Affected: yes.

PreventionGenetics, part of Exact Sciences
Classification: Benign for SPINK5-related condition. Last evaluated: 2019-10-02. Review status: no assertion criteria provided. Collection method: clinical testing. Allele origin: germline. Not counted in ClinVar's aggregate classification.
Comment: This variant is classified as benign based on ACMG/AMP sequence variant interpretation guidelines (Richards et al. 2015 PMID: 25741868, with internal and published modifications).

NM_006846.4(SPINK5):c.2864T>C (p.Val955Ala)

Gene: SPINK5 (serine peptidase inhibitor Kazal type 5; plus strand). Cytogenetic location: 5q32.
Variant type: single nucleotide variant.
Coding change: c.2864T>C on transcript NM_006846.4 (MANE Select); coding-DNA position 2864, T replaced by C.
Protein change: p.Val955Ala; replaces valine 955 with alanine.
Molecular consequence: missense variant.
Genome position (GRCh38, 1-based): chr5:148,125,847, T>C. VCF-style: chr5-148125847-T-C. GRCh37 (hg19) VCF-style: chr5-147505410-T-C.
Other names: c.2954T>C, p.Val985Ala (NM_001127698.2); short protein forms V955A, V985A.
Identifiers: ClinVar variation 351538 (VCV000351538.19), dbSNP rs115820034, ClinGen allele CA3496157.